The following is an entry in ClinVar:

ClinVar aggregate classification (germline): Likely pathogenic (0 of 4 stars; one submission).

Conditions:
SPTA1-related disorder. Also called: SPTA1-related disorders; SPTA1-related condition.

Allele frequency attached by ClinVar (database versions not stated): gnomAD 0.00001.
gnomAD v4.1: 1 of 1,614,004 alleles (0.000062%); highest among the groups gnomAD compares: Non-Finnish European, 0.000085%; no homozygotes.

Submission:

PreventionGenetics, part of Exact Sciences
Classification: Likely pathogenic for SPTA1-related condition. Last evaluated: 2024-02-24. Review status: no assertion criteria provided. Collection method: clinical testing. Allele origin: germline.
Comment: The SPTA1 c.1677+1G>T variant is predicted to disrupt the GT donor site and interfere with normal splicing. To our knowledge, this variant has not been reported in the literature or in a large population database, indicating this variant is rare. Variants that disrupt the consensus splice donor site in SPTA1 are expected to be pathogenic. This variant is interpreted as likely pathogenic.

NM_003126.4(SPTA1):c.1677+1G>T

Gene: SPTA1 (spectrin alpha, erythrocytic 1; minus strand). Cytogenetic location: 1q23.1.
Variant type: single nucleotide variant.
Coding change: c.1677+1G>T on transcript NM_003126.4 (MANE Select); the canonical splice donor site of the intron after coding-DNA position 1677, G replaced by T.
Molecular consequence: splice donor variant.
Genome position (GRCh38, 1-based): chr1:158,669,708, C>A on the plus strand (G>T on the coding strand, the complement: SPTA1 is on the minus strand). VCF-style: chr1-158669708-C-A. GRCh37 (hg19) VCF-style: chr1-158639498-C-A.
Identifiers: ClinVar variation 3061069 (VCV003061069.2), dbSNP rs1653872984, ClinGen allele CA343009166.
Genomic context (GRCh38, chr1:158,669,708, plus strand): 5'-ACCAAAACTCTTCTTGATTCTAGTGTGTAGGCACACAGAAGCTCTAGGCCCTTGGACATA[C>A]CCCGTCACGGATAGCCTTGATGTTCTCTGAATCATAATGGTCATCACCAATCAATTTGGT-3'